The following is an entry in ClinVar:

ClinVar aggregate classification (germline): Uncertain significance (1 of 4 stars; one submission).

Conditions:
Hereditary spastic paraplegia 8 (SPG8). Also called: SPASTIC PARAPLEGIA 8, AUTOSOMAL DOMINANT. Identifiers: Orphanet 100989, MedGen C1863704, MONDO:0011339, OMIM 603563.
Ritscher-Schinzel syndrome 1 (RTSC1). Identifiers: Orphanet 7, MedGen C4551776, MONDO:0009073, OMIM 220210.

Submission:

Juno Genomics, Hangzhou Juno Genomics, Inc
Classification: Uncertain significance for Ritscher-Schinzel syndrome 1; Hereditary spastic paraplegia 8. Review status: criteria provided, single submitter. Criteria: ACMG Guidelines, 2015. Collection method: clinical testing. Allele origin: germline.
Comment: Absent from controls (or at extremely low frequency if recessive) in Genome Aggregation Database.

NM_014846.4(WASHC5):c.3424G>A (p.Val1142Ile)

Gene: WASHC5 (WASH complex subunit 5; minus strand). Cytogenetic location: 8q24.13.
Variant type: single nucleotide variant.
Coding change: c.3424G>A on transcript NM_014846.4 (MANE Select); coding-DNA position 3424, G replaced by A.
Protein change: p.Val1142Ile; replaces valine 1142 with isoleucine.
Molecular consequence: missense variant.
Genome position (GRCh38, 1-based): chr8:125,024,673, C>T on the plus strand (G>A on the coding strand, the complement: WASHC5 is on the minus strand). VCF-style: chr8-125024673-C-T. GRCh37 (hg19) VCF-style: chr8-126036915-C-T.
Other names: c.2980G>A, p.Val994Ile (NM_001330609.2); short protein forms V1142I, V994I.
Identifiers: ClinVar variation 5007269 (VCV005007269.2).